The following is an entry in ClinVar:

ClinVar aggregate classification (germline): Uncertain significance. Review status: criteria provided, multiple submitters, no conflicts (2 of 4 stars). 3 submissions from 3 submitters: Uncertain significance (3). Last evaluated 2026-03-02.

Conditions:
Progressive myoclonic epilepsy. Also called: Familial progressive myoclonic epilepsy; Progressive myoclonus epilepsy; Myoclonus epilepsy; Myoclonic Epilepsies, Progressive. Identifiers: Orphanet 308, Orphanet 98261, MedGen C0751778, MONDO:0020074.
Inborn genetic diseases. Identifiers: MedGen C0950123, MeSH D030342.

Allele frequency attached by ClinVar (database versions not stated): ExAC 0.00002; gnomAD exomes 0.00002; TOPMed 0.00003.
gnomAD v4.1: 39 of 1,613,754 alleles (0.0024%); highest among the groups gnomAD compares: African/African-American, 0.004%; no homozygotes.

Submissions (3):

Ambry Genetics
Classification: Uncertain significance for Inborn genetic diseases. Last evaluated: 2026-03-02. Review status: criteria provided, single submitter. Criteria: Ambry Variant Classification Scheme 2023. Collection method: clinical testing. Allele origin: germline.
Comment: The c.579G>A (p.M193I) alteration is located in exon 6 (coding exon 6) of the GOSR2 gene. This alteration results from a G to A substitution at nucleotide position 579, causing the methionine (M) at amino acid position 193 to be replaced by an isoleucine (I). Based on data from gnomAD, the A allele has an overall frequency of 0.002% (4/251480) total alleles studied. The highest observed frequency was 0.003% (1/34590) of Latino alleles. Based on insufficient or conflicting evidence, the clinical significance of this alteration remains unclear.

GeneDx
Classification: Uncertain significance. Last evaluated: 2024-07-23. Review status: criteria provided, single submitter. Criteria: GeneDx Variant Classification Process June 2021. Collection method: clinical testing. Allele origin: germline. Affected: yes.
Comment: Not observed at significant frequency in large population cohorts (gnomAD); In silico analysis indicates that this missense variant does not alter protein structure/function; Has not been previously published as pathogenic or benign to our knowledge

Labcorp Genetics (formerly Invitae), Labcorp
Classification: Uncertain significance for Progressive myoclonic epilepsy. Last evaluated: 2022-08-20. Review status: criteria provided, single submitter. Criteria: Invitae Variant Classification Sherloc (09022015). Collection method: clinical testing. Allele origin: germline.
Comment: This sequence change replaces methionine, which is neutral and non-polar, with isoleucine, which is neutral and non-polar, at codon 193 of the GOSR2 protein (p.Met193Ile). This variant is present in population databases (rs768377570, gnomAD 0.003%). This variant has not been reported in the literature in individuals affected with GOSR2-related conditions. ClinVar contains an entry for this variant (Variation ID: 843038). Algorithms developed to predict the effect of missense changes on protein structure and function (SIFT, PolyPhen-2, Align-GVGD) all suggest that this variant is likely to be tolerated. In summary, the available evidence is currently insufficient to determine the role of this variant in disease. Therefore, it has been classified as a Variant of Uncertain Significance.

NM_004287.5(GOSR2):c.579G>A (p.Met193Ile)

Genes: LRRC37A2 (leucine rich repeat containing 37 member A2), GOSR2 (golgi SNAP receptor complex member 2; plus strand). Cytogenetic location: 17q21.32.
Variant type: single nucleotide variant.
Coding change: c.579G>A on transcript NM_004287.5 (MANE Select); coding-DNA position 579, G replaced by A.
Protein change: p.Met193Ile; replaces methionine 193 with isoleucine.
Molecular consequence: missense variant. On other transcripts: non-coding transcript variant (3).
Genome position (GRCh38, 1-based): chr17:46,938,700, G>A. VCF-style: chr17-46938700-G-A. GRCh37 (hg19) VCF-style: chr17-45016066-G-A.
Other names: c.579G>A, p.Met193Ile (NM_001321133.2, NM_054022.4); c.384G>A, p.Met128Ile (NM_001321134.2); c.438G>A, p.Met146Ile (NM_001330252.2); c.576G>A, p.Met192Ile (NM_001353114.2); c.435G>A, p.Met145Ile (NM_001353115.2, NM_001353116.2); c.525G>A, p.Met175Ile (NM_001363851.2); short protein forms M128I, M146I, M192I, M145I, M175I, M193I.
Identifiers: ClinVar variation 843038 (VCV000843038.10), dbSNP rs768377570, ClinGen allele CA8621359.